The following is an entry in ClinVar:

ClinVar aggregate classification (germline): Uncertain significance. Review status: criteria provided, multiple submitters, no conflicts (2 of 4 stars). 3 submissions from 3 submitters: Uncertain significance (2). 1 of the submissions does not count toward it. Last evaluated 2025-08-28.

Conditions:
BDP1-related disorder. Also called: BDP1-related condition.

Allele frequency attached by ClinVar (database versions not stated): gnomAD exomes 0.00008; ExAC 0.00024; gnomAD 0.00086; ESP Exome Variant Server 0.00101; 1000 Genomes Project 30x 0.00109; TOPMed 0.00112; 1000 Genomes Project 0.00120.
gnomAD v4.1: 249 of 1,613,990 alleles (0.015%); highest among the groups gnomAD compares: African/African-American, 0.31%; no homozygotes.

Submissions (3):

Ambry Genetics
Classification: Uncertain significance. Last evaluated: 2025-08-28. Review status: criteria provided, single submitter. Criteria: Ambry Variant Classification Scheme 2023. Collection method: clinical testing. Allele origin: germline.

Blueprint Genetics
Classification: Uncertain significance. Last evaluated: 2024-11-06. Review status: criteria provided, single submitter. Criteria: ACMG Guidelines, 2015. Collection method: clinical testing. Allele origin: germline.

PreventionGenetics, part of Exact Sciences
Classification: Likely benign for BDP1-related condition. Last evaluated: 2023-12-07. Review status: no assertion criteria provided. Collection method: clinical testing. Allele origin: germline. Not counted in ClinVar's aggregate classification.
Comment: This variant is classified as likely benign based on ACMG/AMP sequence variant interpretation guidelines (Richards et al. 2015 PMID: 25741868, with internal and published modifications).

NM_018429.3(BDP1):c.3105A>G (p.Ile1035Met)

Gene: BDP1 (BDP1 general transcription factor IIIB subunit; plus strand). Cytogenetic location: 5q13.2.
Variant type: single nucleotide variant.
Coding change: c.3105A>G on transcript NM_018429.3 (MANE Select); coding-DNA position 3105, A replaced by G.
Protein change: p.Ile1035Met; replaces isoleucine 1035 with methionine.
Molecular consequence: missense variant.
Genome position (GRCh38, 1-based): chr5:71,510,197, A>G. VCF-style: chr5-71510197-A-G. GRCh37 (hg19) VCF-style: chr5-70806024-A-G.
Other names: short protein forms I1035M.
Identifiers: ClinVar variation 3058052 (VCV003058052.4), dbSNP rs140158048, ClinGen allele CA3296419.